The following is an entry in ClinVar:

NM_001378454.1(ALMS1):c.7317T>G (p.Val2439=)

Gene: ALMS1 (ALMS1 centrosome and basal body associated protein; plus strand). Cytogenetic location: 2p13.1.
Variant type: single nucleotide variant.
Coding change: c.7317T>G on transcript NM_001378454.1 (MANE Select); coding-DNA position 7317, T replaced by G.
Protein change: p.Val2439=; no amino-acid change (valine 2439 retained).
Molecular consequence: synonymous variant.
Genome position (GRCh38, 1-based): chr2:73,453,844, T>G. VCF-style: chr2-73453844-T-G. GRCh37 (hg19) VCF-style: chr2-73680971-T-G.
Other names: c.7320T>G, p.Val2440= (NM_015120.4).
Identifiers: ClinVar variation 4986514 (VCV004986514.1).

ClinVar aggregate classification (germline): Uncertain significance (1 of 4 stars; one submission).

Conditions:
ALMS1-related disorder. Also called: ALMS1-related condition.

Submission:

PreventionGenetics, part of Exact Sciences
Classification: Uncertain significance for ALMS1-related condition. Last evaluated: 2026-03-03. Review status: criteria provided, single submitter. Criteria: ACMG Guidelines, 2015. Collection method: clinical testing. Allele origin: germline.
Comment: The ALMS1 c.7320T>G variant is predicted to result in the amino acid substitution p.Asp2440Glu. To our knowledge, this variant has not been reported in the literature or in a large population database (gnomAD), indicating this variant is rare. At this time, the clinical significance of this variant is uncertain due to the absence of conclusive functional and genetic evidence.